The following is an entry in ClinVar:

ClinVar aggregate classification (germline): Uncertain significance (1 of 4 stars; one submission).

Conditions:
Werner syndrome (WRN). Identifiers: Orphanet 902, MedGen C0043119, MONDO:0010196, OMIM 277700.

Submission:

Labcorp Genetics (formerly Invitae), Labcorp
Classification: Uncertain significance for Werner syndrome. Last evaluated: 2023-02-14. Review status: criteria provided, single submitter. Criteria: Invitae Variant Classification Sherloc (09022015). Collection method: clinical testing. Allele origin: germline.
Comment: This variant has not been reported in the literature in individuals affected with WRN-related conditions. This variant is not present in population databases (gnomAD no frequency). This sequence change replaces aspartic acid, which is acidic and polar, with tyrosine, which is neutral and polar, at codon 844 of the WRN protein (p.Asp844Tyr). An algorithm developed to predict the effect of missense changes on protein structure and function (PolyPhen-2) suggests that this variant is likely to be tolerated. In summary, the available evidence is currently insufficient to determine the role of this variant in disease. Therefore, it has been classified as a Variant of Uncertain Significance. Algorithms developed to predict the effect of sequence changes on RNA splicing suggest that this variant may disrupt the consensus splice site.

NM_000553.6(WRN):c.2530G>T (p.Asp844Tyr)

Gene: WRN (WRN RecQ like helicase; plus strand). Cytogenetic location: 8p12.
Variant type: single nucleotide variant.
Coding change: c.2530G>T on transcript NM_000553.6 (MANE Select); coding-DNA position 2530, G replaced by T.
Protein change: p.Asp844Tyr; replaces aspartic acid 844 with tyrosine.
Molecular consequence: missense variant.
Genome position (GRCh38, 1-based): chr8:31,120,324, G>T. VCF-style: chr8-31120324-G-T. GRCh37 (hg19) VCF-style: chr8-30977840-G-T.
Other names: short protein forms D844Y.
Identifiers: ClinVar variation 2919014 (VCV002919014.3), dbSNP rs1801675342, ClinGen allele CA370915448.
Genomic context (GRCh38, chr8:31,120,324, plus strand): 5'-TTTGGAATGGGCATTAATAAAGCTGACATTCGCCAAGTCATTCATTACGGTGCTCCTAAG[G>T]ACATGGAATCATATTATCAGGAGATTGGTAGAGCTGGTCGTGATGGACTTCAAAGTTCTT-3'
Protein context (NP_000544.2, residues 834-854): RQVIHYGAPK[Asp844Tyr]MESYYQEIGR